The following is an entry in ClinVar:

NM_004638.4(PRRC2A):c.488C>T (p.Ser163Leu)

Gene: PRRC2A (proline rich coiled-coil 2A; plus strand). Cytogenetic location: 6p21.33.
Variant type: single nucleotide variant.
Coding change: c.488C>T on transcript NM_004638.4 (MANE Select); coding-DNA position 488, C replaced by T.
Protein change: p.Ser163Leu; replaces serine 163 with leucine.
Molecular consequence: missense variant.
Genome position (GRCh38, 1-based): chr6:31,625,195, C>T. VCF-style: chr6-31625195-C-T. GRCh37 (hg19) VCF-style: chr6-31592972-C-T.
Other names: c.488C>T, p.Ser163Leu (NM_080686.3); short protein forms S163L.
Identifiers: ClinVar variation 3050606 (VCV003050606.2), dbSNP rs554299374, ClinGen allele CA3715095.
Genomic context (GRCh38, chr6:31,625,195, plus strand): 5'-TCTTCTGTCTCCTGTTCTGCATCCCCATCCTAATAGGTGGAAGGGCATCAAGCCTACTGT[C>T]ACGATTCTCTCGAGAGGAATTTCCGACCCTGCAGGCGGCTGGCGACCAGGACAAGGCTGC-3'
Protein context (NP_004629.3, residues 153-173): GDGGRASSLL[Ser163Leu]RFSREEFPTL

ClinVar aggregate classification (germline): Benign (0 of 4 stars; one submission).

Conditions:
PRRC2A-related disorder. Also called: PRRC2A-related condition.

Allele frequency attached by ClinVar (database versions not stated): TOPMed 0.00008; gnomAD 0.00029; gnomAD exomes 0.00040; ExAC 0.00103; 1000 Genomes Project 30x 0.00265; 1000 Genomes Project 0.00280.
gnomAD v4.1: 648 of 1,613,032 alleles (0.04%); highest among the groups gnomAD compares: South Asian, 0.65%; 5 homozygotes.

Submission:

PreventionGenetics, part of Exact Sciences
Classification: Benign for PRRC2A-related condition. Last evaluated: 2019-02-19. Review status: no assertion criteria provided. Collection method: clinical testing. Allele origin: germline.
Comment: This variant is classified as benign based on ACMG/AMP sequence variant interpretation guidelines (Richards et al. 2015 PMID: 25741868, with internal and published modifications).